The following is an entry in ClinVar:

ClinVar aggregate classification (germline): Uncertain significance (1 of 4 stars; one submission).

gnomAD v4.1: 2 of 1,614,168 alleles (0.00012%); highest among the groups gnomAD compares: Middle Eastern, 0.033%; no homozygotes.

Submission:

GeneDx
Classification: Uncertain significance. Last evaluated: 2024-12-04. Review status: criteria provided, single submitter. Criteria: GeneDx Variant Classification Process June 2021. Collection method: clinical testing. Allele origin: germline. Affected: yes.
Comment: Not observed at significant frequency in large population cohorts (gnomAD); In silico analysis supports that this missense variant has a deleterious effect on protein structure/function; Has not been previously published as pathogenic or benign to our knowledge

NM_001151.4(SLC25A4):c.728G>A (p.Gly243Asp)

Gene: SLC25A4 (solute carrier family 25 member 4; plus strand). Cytogenetic location: 4q35.1.
Variant type: single nucleotide variant.
Coding change: c.728G>A on transcript NM_001151.4 (MANE Select); coding-DNA position 728, G replaced by A.
Protein change: p.Gly243Asp; replaces glycine 243 with aspartic acid.
Molecular consequence: missense variant.
Genome position (GRCh38, 1-based): chr4:185,145,888, G>A. VCF-style: chr4-185145888-G-A. GRCh37 (hg19) VCF-style: chr4-186067042-G-A.
Other names: short protein forms G243D.
Identifiers: ClinVar variation 3901486 (VCV003901486.1).
Genomic context (GRCh38, chr4:185,145,888, plus strand): 5'-TCGCAGGGCTGGTGTCCTACCCCTTTGACACTGTTCGTCGTAGAATGATGATGCAGTCCG[G>A]CCGGAAAGGGGGTAAGCTTGTGCTCTACTCATCTAAACTTGTTTGGTTTTGCCCGAGGAG-3'
Protein context (NP_001142.2, residues 233-253): TVRRRMMMQS[Gly243Asp]RKGADIMYTG